The following is an entry in ClinVar:

ClinVar aggregate classification (germline): Uncertain significance. Review status: criteria provided, multiple submitters, no conflicts (2 of 4 stars). 2 submissions from 2 submitters: Uncertain significance (2). Last evaluated 2025-05-20.

Allele frequency attached by ClinVar (database versions not stated): gnomAD exomes below 0.00001; TOPMed 0.00001.
gnomAD v4.1: 4 of 1,535,336 alleles (0.00026%); highest among the groups gnomAD compares: Admixed American, 0.004%; no homozygotes.

Submissions (2):

Ambry Genetics
Classification: Uncertain significance. Last evaluated: 2025-05-20. Review status: criteria provided, single submitter. Criteria: Ambry Variant Classification Scheme 2023. Collection method: clinical testing. Allele origin: germline.

Labcorp Genetics (formerly Invitae), Labcorp
Classification: Uncertain significance. Last evaluated: 2022-07-29. Review status: criteria provided, single submitter. Criteria: Invitae Variant Classification Sherloc (09022015). Collection method: clinical testing. Allele origin: germline.
Comment: This sequence change replaces serine, which is neutral and polar, with asparagine, which is neutral and polar, at codon 169 of the EPS8L2 protein (p.Ser169Asn). The frequency data for this variant in the population databases is considered unreliable, as metrics indicate poor data quality at this position in the gnomAD database. This variant has not been reported in the literature in individuals affected with EPS8L2-related conditions. Algorithms developed to predict the effect of missense changes on protein structure and function are either unavailable or do not agree on the potential impact of this missense change (SIFT: "Tolerated"; PolyPhen-2: "Probably Damaging"; Align-GVGD: "Class C0"). In summary, the available evidence is currently insufficient to determine the role of this variant in disease. Therefore, it has been classified as a Variant of Uncertain Significance.

NM_022772.4(EPS8L2):c.506G>A (p.Ser169Asn)

Genes: EPS8L2 (EPS8 signaling adaptor L2; plus strand), LOC130005076 (ATAC-STARR-seq lymphoblastoid silent region 3016; plus strand). Cytogenetic location: 11p15.5.
Variant type: single nucleotide variant.
Coding change: c.506G>A on transcript NM_022772.4 (MANE Select); coding-DNA position 506, G replaced by A.
Protein change: p.Ser169Asn; replaces serine 169 with asparagine.
Molecular consequence: missense variant.
Genome position (GRCh38, 1-based): chr11:720,858, G>A. VCF-style: chr11-720858-G-A. GRCh37 (hg19) VCF-style: chr11-720858-G-A.
Other names: c.506G>A (NM_022772.3); short protein forms S169N.
Identifiers: ClinVar variation 1981017 (VCV001981017.5), dbSNP rs1415664565, ClinGen allele CA378965525.